The following is an entry in ClinVar:

ClinVar aggregate classification (germline): Uncertain significance (1 of 4 stars; one submission).

Submission:

Labcorp Genetics (formerly Invitae), Labcorp
Classification: Uncertain significance. Last evaluated: 2024-10-24. Review status: criteria provided, single submitter. Criteria: Invitae Variant Classification Sherloc (09022015). Collection method: clinical testing. Allele origin: germline.
Comment: This sequence change replaces glutamine, which is neutral and polar, with glutamic acid, which is acidic and polar, at codon 35 of the DLX6 protein (p.Gln35Glu). The frequency data for this variant in the population databases is considered unreliable, as metrics indicate poor data quality at this position in the gnomAD database. This variant has not been reported in the literature in individuals affected with DLX6-related conditions. An algorithm developed to predict the effect of missense changes on protein structure and function (PolyPhen-2) suggests that this variant is likely to be tolerated. In summary, the available evidence is currently insufficient to determine the role of this variant in disease. Therefore, it has been classified as a Variant of Uncertain Significance.

NM_005222.4(DLX6):c.103C>G (p.Gln35Glu)

Genes: DLX6 (distal-less homeobox 6; plus strand), DLX6-AS1 (DLX6 antisense RNA 1; minus strand). Cytogenetic location: 7q21.3.
Variant type: single nucleotide variant.
Coding change: c.103C>G on transcript NM_005222.4 (MANE Select); coding-DNA position 103, C replaced by G.
Protein change: p.Gln35Glu; replaces glutamine 35 with glutamic acid.
Molecular consequence: missense variant.
Genome position (GRCh38, 1-based): chr7:97,006,080, C>G. VCF-style: chr7-97006080-C-G. GRCh37 (hg19) VCF-style: chr7-96635392-C-G.
Other names: short protein forms Q35E.
Identifiers: ClinVar variation 2957975 (VCV002957975.3), dbSNP rs1276615722, ClinGen allele CA368256652.